The following is an entry in ClinVar:

NM_001367624.2(ZNF469):c.2728A>G (p.Thr910Ala)

Gene: ZNF469 (zinc finger protein 469; plus strand). Cytogenetic location: 16q24.2.
Variant type: single nucleotide variant.
Coding change: c.2728A>G on transcript NM_001367624.2 (MANE Select); coding-DNA position 2728, A replaced by G.
Protein change: p.Thr910Ala; replaces threonine 910 with alanine.
Molecular consequence: missense variant.
Genome position (GRCh38, 1-based): chr16:88,430,198, A>G. VCF-style: chr16-88430198-A-G. GRCh37 (hg19) VCF-style: chr16-88496606-A-G.
Other names: short protein forms T910A.
Identifiers: ClinVar variation 3673690 (VCV003673690.2).
Genomic context (GRCh38, chr16:88,430,198, plus strand): 5'-GGGGTGACTCCAGAGAGCAAAGCTCCGCCCCCGCTCCCAGCAGCCACGCCGGACCCCCAA[A>G]CCCCCCGCCCTGGGGACAGGGGCTGCCCAGCCCGAGGCAGGCCCAAAACGCGTTCCCTGG-3'
Protein context (NP_001354553.1, residues 900-920): PLPAATPDPQ[Thr910Ala]PRPGDRGCPA

ClinVar aggregate classification (germline): Uncertain significance (1 of 4 stars; one submission).

gnomAD v4.1: 9 of 1,543,764 alleles (0.00058%); highest among the groups gnomAD compares: Non-Finnish European, 0.00061%; no homozygotes.

Submission:

Labcorp Genetics (formerly Invitae), Labcorp
Classification: Uncertain significance. Last evaluated: 2025-09-03. Review status: criteria provided, single submitter. Criteria: Invitae Variant Classification Sherloc (09022015). Collection method: clinical testing. Allele origin: germline.
Comment: This sequence change replaces threonine, which is neutral and polar, with alanine, which is neutral and non-polar, at codon 910 of the ZNF469 protein (p.Thr910Ala). The frequency data for this variant in the population databases is considered unreliable, as metrics indicate poor data quality at this position in the gnomAD database. This variant has not been reported in the literature in individuals affected with ZNF469-related conditions. ClinVar contains an entry for this variant (Variation ID: 3673690). An algorithm developed to predict the effect of missense changes on protein structure and function outputs the following: PolyPhen-2: "Benign". The alanine amino acid residue is found in multiple mammalian species, which suggests that this missense change does not adversely affect protein function. In summary, the available evidence is currently insufficient to determine the role of this variant in disease. Therefore, it has been classified as a Variant of Uncertain Significance.